The following is an entry in ClinVar:

ClinVar aggregate classification (germline): Likely benign. Review status: criteria provided, multiple submitters, no conflicts (2 of 4 stars). 2 submissions from 2 submitters: Likely benign (2). Last evaluated 2026-03-01.

gnomAD v4.1: 33 of 1,614,100 alleles (0.002%); highest among the groups gnomAD compares: East Asian, 0.02%; no homozygotes.

Submissions (2):

CeGaT Center for Human Genetics Tuebingen
Classification: Likely benign. Last evaluated: 2026-03-01. Review status: criteria provided, single submitter. Criteria: CeGaT Center For Human Genetics Tuebingen Variant Classification Criteria Version 2. Collection method: clinical testing. Allele origin: germline. Affected: yes. Observed: 1 variant allele.
Comment: TRRAP: BP4, BP7

Labcorp Genetics (formerly Invitae), Labcorp
Classification: Likely benign. Last evaluated: 2025-09-04. Review status: criteria provided, single submitter. Criteria: Invitae Variant Classification Sherloc (09022015). Collection method: clinical testing. Allele origin: germline.

NM_001375524.1(TRRAP):c.10146C>G (p.Leu3382=)

Gene: TRRAP (transformation/transcription domain associated protein; plus strand). Cytogenetic location: 7q22.1.
Variant type: single nucleotide variant.
Coding change: c.10146C>G on transcript NM_001375524.1 (MANE Select); coding-DNA position 10146, C replaced by G.
Protein change: p.Leu3382=; no amino-acid change (leucine 3382 retained).
Molecular consequence: synonymous variant.
Genome position (GRCh38, 1-based): chr7:98,994,685, C>G. VCF-style: chr7-98994685-C-G. GRCh37 (hg19) VCF-style: chr7-98592308-C-G.
Other names: c.10104C>G, p.Leu3368= (NM_001244580.2); c.10017C>G, p.Leu3339= (NM_003496.4).
Identifiers: ClinVar variation 4804921 (VCV004804921.5).